The following is an entry in ClinVar:

ClinVar aggregate classification (germline): Uncertain significance (0 of 4 stars; one submission).

Conditions:
Malignant tumor of breast. Also called: Malignant breast neoplasm; Cancer breast. Identifiers: MedGen C0006142, MONDO:0007254. Disease mechanism: loss of function.

Submission:

Department of Pathology and Laboratory Medicine, Sinai Health System
Classification: Uncertain significance for Malignant tumor of breast. Review status: no assertion criteria provided. Collection method: clinical testing. Allele origin: unknown. Affected: yes. Observed: 1 variant allele. Study: The Canadian Open Genetics Repository (COGR).
Comment: The FANCC p.Ala181Pro variant was not identified in the literature nor was it identified in the dbSNP, ClinVar, Cosmic, MutDB, LOVD 3.0, the Exome Aggregation Consortium (August 8th 2016), or the Genome Aggregation Database (Feb 27, 2017). The p.Ala181 residue is not conserved in mammals and four out of five computational analyses (PolyPhen-2, SIFT, AlignGVGD, BLOSUM, MutationTaster) do not suggest a high likelihood of impact to the protein; however, this information is not predictive enough to rule out pathogenicity. The variant occurs outside of the splicing consensus sequence and in silico or computational prediction software programs (SpliceSiteFinder, MaxEntScan, NNSPLICE, GeneSplicer) do not predict a difference in splicing. In summary, based on the above information the clinical significance of this variant cannot be determined with certainty at this time. This variant is classified as a variant of uncertain significance.

NM_000136.3(FANCC):c.541G>C (p.Ala181Pro)

Genes: AOPEP (aminopeptidase O (putative); plus strand), FANCC (FA complementation group C; minus strand). Cytogenetic location: 9q22.32.
Variant type: single nucleotide variant.
Coding change: c.541G>C on transcript NM_000136.3 (MANE Select); coding-DNA position 541, G replaced by C.
Protein change: p.Ala181Pro; replaces alanine 181 with proline.
Molecular consequence: missense variant.
Genome position (GRCh38, 1-based): chr9:95,150,068, C>G on the plus strand (G>C on the coding strand, the complement: FANCC is on the minus strand). VCF-style: chr9-95150068-C-G. GRCh37 (hg19) VCF-style: chr9-97912350-C-G.
Other names: c.541G>C, p.Ala181Pro (NM_001243744.2, NM_001243743.2); short protein forms A181P.
Identifiers: ClinVar variation 1049037 (VCV001049037.2), dbSNP rs2135428686, ClinGen allele CA374109846.
Genomic context (GRCh38, chr9:95,150,068, plus strand): 5'-CCACCAGGGGGTCAACATCTGTCAGGGTAATAAGTGGGACACAAACTCGTGACAGGGACG[C>G]CACTCGCTCGGGAGCCATTCTATGGAAGAAATAAGAAATAATCACTCAAATCTAAGAGCC-3'
Protein context (NP_000127.2, residues 171-191): TQRRMAPERV[Ala181Pro]SLSRVCVPLI